The following is an entry in ClinVar:

ClinVar aggregate classification (germline): Benign/Likely benign. Review status: criteria provided, multiple submitters, no conflicts (2 of 4 stars). 9 submissions from 9 submitters: Benign (6); Likely benign (1). 2 of the submissions do not count toward it. Last evaluated 2026-01-27.

Conditions:
SLC20A2-related disorder. Also called: SLC20A2-related condition.
Idiopathic basal ganglia calcification 1 (PFBC1A). Also called: Familial Idiopathic Basal Ganglia Calcification 2; Familial Idiopathic Basal Ganglia Calcification 3; Primary Familial Brain Calcification; PRIMARY FAMILIAL BRAIN CALCIFICATION 1A, AUTOSOMAL DOMINANT; Fahr's syndrome; Cerebral calcification nonarteriosclerotic idiopathic adult-onset. Identifiers: Orphanet 1980, MedGen C4551624, MONDO:0024538, OMIM 213600.

Allele frequency attached by ClinVar (database versions not stated): ESP Exome Variant Server 0.00438; TOPMed 0.00694; gnomAD 0.00804 and 0.00499; gnomAD exomes 0.01569; ExAC 0.01652; 1000 Genomes Project 30x 0.03045; 1000 Genomes Project 0.03235.
gnomAD v4.1: 14,371 of 1,614,120 alleles (0.89%); highest among the groups gnomAD compares: South Asian, 6.3%; 321 homozygotes.

Submissions (9):

Labcorp Genetics (formerly Invitae), Labcorp
Classification: Benign. Last evaluated: 2026-01-27. Review status: criteria provided, single submitter. Criteria: Invitae Variant Classification Sherloc (09022015). Collection method: clinical testing. Allele origin: germline.

Mayo Clinic Laboratories, Mayo Clinic
Classification: Benign. Last evaluated: 2023-09-27. Review status: criteria provided, single submitter. Criteria: ACMG Guidelines, 2015. Collection method: clinical testing. Allele origin: germline. Observed: 9 variant alleles.

Fulgent Genetics
Classification: Likely benign for Idiopathic basal ganglia calcification 1. Last evaluated: 2021-08-10. Review status: criteria provided, single submitter. Criteria: ACMG Guidelines, 2015. Collection method: clinical testing. Allele origin: unknown.

GeneDx
Classification: Benign. Last evaluated: 2018-09-16. Review status: criteria provided, single submitter. Criteria: GeneDx Variant Classification Process June 2021. Collection method: clinical testing. Allele origin: germline. Affected: yes.

Illumina Laboratory Services, Illumina
Classification: Benign for Idiopathic basal ganglia calcification 1. Last evaluated: 2018-01-12. Review status: criteria provided, single submitter. Criteria: ICSL Variant Classification Criteria 13 December 2019. Collection method: clinical testing. Allele origin: germline.
Comment: This variant was observed in the ICSL laboratory as part of a predisposition screen in an ostensibly healthy population. It had not been previously curated by ICSL or reported in the Human Gene Mutation Database (HGMD: prior to June 1st, 2018), and was therefore a candidate for classification through an automated scoring system. Utilizing variant allele frequency, disease prevalence and penetrance estimates, and inheritance mode, an automated score was calculated to assess if this variant is too frequent to cause the disease. Based on the score and internal cut-off values, a variant classified as benign is not then subjected to further curation. The score for this variant resulted in a classification of benign for this disease.

Clinical Genetics DNA and cytogenetics Diagnostics Lab, Erasmus MC, Erasmus Medical Center
Classification: Benign for Idiopathic basal ganglia calcification 1. Last evaluated: 2015-09-21. Review status: criteria provided, single submitter. Criteria: ACGS Guidelines, 2013. Collection method: clinical testing. Allele origin: germline. Affected: yes. Study: VKGL Data-share Consensus.

Breakthrough Genomics
Classification: Benign. Review status: criteria provided, single submitter. Criteria: ACMG Guidelines, 2015. Collection method: not provided. Allele origin: germline. Inheritance: Autosomal dominant inheritance. Affected: yes.

PreventionGenetics, part of Exact Sciences
Classification: Benign for SLC20A2-related condition. Last evaluated: 2019-04-15. Review status: no assertion criteria provided. Collection method: clinical testing. Allele origin: germline. Not counted in ClinVar's aggregate classification.
Comment: This variant is classified as benign based on ACMG/AMP sequence variant interpretation guidelines (Richards et al. 2015 PMID: 25741868, with internal and published modifications).

Genome Diagnostics Laboratory, Amsterdam University Medical Center
Classification: Likely benign for Idiopathic basal ganglia calcification 1. Last evaluated: 2015-01-08. Review status: no assertion criteria provided. Criteria: ACGS Guidelines, 2013. Collection method: clinical testing. Allele origin: germline. Affected: yes. Study: VKGL Data-share Consensus. Not counted in ClinVar's aggregate classification.

NM_001257180.2(SLC20A2):c.1008C>T (p.His336=)

Gene: SLC20A2 (solute carrier family 20 member 2; minus strand). Cytogenetic location: 8p11.21.
Variant type: single nucleotide variant.
Coding change: c.1008C>T on transcript NM_001257180.2 (MANE Select); coding-DNA position 1008, C replaced by T.
Protein change: p.His336=; no amino-acid change (histidine 336 retained).
Molecular consequence: synonymous variant.
Genome position (GRCh38, 1-based): chr8:42,437,504, G>A on the plus strand (C>T on the coding strand, the complement: SLC20A2 is on the minus strand). VCF-style: chr8-42437504-G-A. GRCh37 (hg19) VCF-style: chr8-42295022-G-A.
Other names: p.His336=; c.1008C>T, p.His336= (NM_001257181.2, NM_006749.5).
Identifiers: ClinVar variation 363078 (VCV000363078.22), dbSNP rs111553899, ClinGen allele CA4733395.